The following is an entry in ClinVar:

NM_004035.7(ACOX1):c.1100del (p.Leu367fs)

Gene: ACOX1 (acyl-CoA oxidase 1; minus strand). Cytogenetic location: 17q25.1.
Variant type: Deletion.
Coding change: c.1100del on transcript NM_004035.7 (MANE Select); coding-DNA position 1100, one base deleted (T; older notation c.1100delT).
Protein change: p.Leu367fs; shifts the reading frame from leucine 367.
Molecular consequence: frameshift variant.
Genome position (GRCh38, 1-based): chr17:75,951,422, A deleted on the plus strand (T on the coding strand, the reverse complement: ACOX1 is on the minus strand). VCF-style (leftmost placement, unchanged base first): chr17-75951421-CA-C. GRCh37 (hg19) VCF-style: chr17-73947502-CA-C.
Other names: c.986del, p.Leu329fs (NM_001185039.2); c.1100del, p.Leu367fs (NM_007292.6); short protein forms L329fs, L367fs.
Identifiers: ClinVar variation 2715288 (VCV002715288.3), dbSNP rs2546076304, ClinGen allele CA2573332856.

ClinVar aggregate classification (germline): Pathogenic (1 of 4 stars; one submission).

Conditions:
Acyl-CoA oxidase deficiency. Also called: Pseudoneonatal adrenoleukodystrophy; STRAIGHT-CHAIN ACYL-CoA OXIDASE DEFICIENCY; Peroxisomal acyl-CoA oxidase deficiency. Identifiers: Orphanet 2971, MedGen C1849678, MONDO:0009919, OMIM 264470. Disease mechanism: loss of function.

Submission:

Labcorp Genetics (formerly Invitae), Labcorp
Classification: Pathogenic for Acyl-CoA oxidase deficiency. Last evaluated: 2023-06-14. Review status: criteria provided, single submitter. Criteria: Invitae Variant Classification Sherloc (09022015). Collection method: clinical testing. Allele origin: germline.
Comment: For these reasons, this variant has been classified as Pathogenic. This variant has not been reported in the literature in individuals affected with ACOX1-related conditions. This variant is not present in population databases (gnomAD no frequency). This sequence change creates a premature translational stop signal (p.Leu367Argfs*11) in the ACOX1 gene. It is expected to result in an absent or disrupted protein product. Loss-of-function variants in ACOX1 are known to be pathogenic (PMID: 8040306, 17458872).

Literature cited by the submitters: PubMed 8040306; PubMed 17458872.